The following is an entry in ClinVar:

NM_000834.5(GRIN2B):c.2060C>G (p.Pro687Arg)

Gene: GRIN2B (glutamate ionotropic receptor NMDA type subunit 2B; minus strand). Cytogenetic location: 12p13.1.
Variant type: single nucleotide variant.
Coding change: c.2060C>G on transcript NM_000834.5 (MANE Select); coding-DNA position 2060, C replaced by G.
Protein change: p.Pro687Arg; replaces proline 687 with arginine.
Molecular consequence: missense variant.
Genome position (GRCh38, 1-based): chr12:13,571,915, G>C on the plus strand (C>G on the coding strand, the complement: GRIN2B is on the minus strand). VCF-style: chr12-13571915-G-C. GRCh37 (hg19) VCF-style: chr12-13724849-G-C.
Other names: short protein forms P687R.
Identifiers: ClinVar variation 916585 (VCV000916585.1), dbSNP rs1555103986, ClinGen allele CA383999820.
Genomic context (GRCh38, chr12:13,571,915, plus strand): 5'-CCCATGTAGGCATGCATTTCTGCATAGTTATTGCGAATATTTCTCTCTGTGCTGCCGTTG[G>C]GCACGGTCCCAAAGCGGAAAGGGGGTGAGAAGTCATTAGGTCTCTGGAACTGGAGAGAGA-3'
Protein context (NP_000825.2, residues 677-697): FSPPFRFGTV[Pro687Arg]NGSTERNIRN

ClinVar aggregate classification (germline): Likely pathogenic. Review status: criteria provided, multiple submitters, no conflicts (2 of 4 stars). 2 submissions from 2 submitters: Likely pathogenic (2). Last evaluated 2025-12-02.

Conditions:
Intellectual developmental disorder, autosomal dominant 6, with or without seizures. Also called: GRIN2B-related developmental delay, intellectual disability and autism spectrum disorder; Intellectual disability, autosomal dominant 6. Identifiers: Orphanet 589547, MedGen C3151411, MONDO:0013509, OMIM 613970.

Submissions (2):

Variantyx, Inc.
Classification: Likely pathogenic for Intellectual developmental disorder, autosomal dominant 6, with or without seizures. Last evaluated: 2025-12-02. Review status: criteria provided, single submitter. Criteria: Variantyx Assertion Criteria 2022. Collection method: clinical testing. Allele origin: de novo. Inheritance: Autosomal dominant inheritance. Affected: yes.
Comment: This is a nonsynonymous variant in the GRIN2B gene (OMIM: 138252). Pathogenic variants in this gene have been associated with autosomal dominant GRIN2B-related complex neurodevelopmental disorder. This variant likely occurred de novo in individual(s) reported in the published literature; however, the possibility of parental germline mosaicism cannot be excluded (PMID: 28377535, 35982159, 28135719) (PS2). This variant lies within a known hotspot for pathogenic variants or a well-established critical functional domain of the GRIN2B protein (PMID: 28377535) (PM1). This variant is absent from control populations (PM2). Computational algorithms produce conflicting evidence regarding the predicted functional impact of this variant (REVEL score: 0.546), but an alternate amino acid change at this position (p.Pro687Leu) has been reported in affected individuals; however, its pathogenicity has not been established (PMID: 28377535). Based on the current evidence, this variant is classified as likely pathogenic for autosomal dominant GRIN2B-related complex neurodevelopmental disorder.

Institute of Human Genetics, University of Leipzig Medical Center
Classification: Likely pathogenic for Intellectual developmental disorder, autosomal dominant 6, with or without seizures. Last evaluated: 2017-04-04. Review status: criteria provided, single submitter. Criteria: ACMG Guidelines, 2015. Collection method: clinical testing. Allele origin: de novo. Affected: yes.
Comment: This variant was identified as de novo (maternity and paternity confirmed).

Literature cited by the submitters: PubMed 28377535 (cited by Variantyx, Inc. and Institute of Human Genetics, University of Leipzig Medical Center); PubMed 35982159 (cited by Variantyx, Inc.); PubMed 28135719 (cited by Variantyx, Inc.).